The following is an entry in ClinVar:

NM_000784.4(CYP27A1):c.110C>G (p.Ser37Trp)

Gene: CYP27A1 (cytochrome P450 family 27 subfamily A member 1; plus strand). Cytogenetic location: 2q35.
Variant type: single nucleotide variant.
Coding change: c.110C>G on transcript NM_000784.4 (MANE Select); coding-DNA position 110, C replaced by G.
Protein change: p.Ser37Trp; replaces serine 37 with tryptophan.
Molecular consequence: missense variant.
Genome position (GRCh38, 1-based): chr2:218,782,292, C>G. VCF-style: chr2-218782292-C-G. GRCh37 (hg19) VCF-style: chr2-219647015-C-G.
Other names: p.Ser37Trp; short protein forms S37W.
Identifiers: ClinVar variation 1494439 (VCV001494439.6), dbSNP rs1559384559, ClinGen allele CA350575998.
Genomic context (GRCh38, chr2:218,782,292, plus strand): 5'-GCCGTGGCCTCTGCCCCCACGGGGCCAGAGCCAAGGCCGCGATCCCTGCCGCCCTCCCCT[C>G]GGACAAGGCCACCGGAGCTCCCGGAGCCGGGCCTGGTGTCCGGCGGCGGCAACGGAGCTT-3'
Protein context (NP_000775.1, residues 27-47): AKAAIPAALP[Ser37Trp]DKATGAPGAG

ClinVar aggregate classification (germline): Uncertain significance. Review status: criteria provided, multiple submitters, no conflicts (2 of 4 stars). 2 submissions from 2 submitters: Uncertain significance (2). Last evaluated 2023-10-13.

Conditions:
Cholestanol storage disease (CTX). Also called: Cerebrotendinous Xanthomatosis; CEREBRAL CHOLESTERINOSIS; CTX: Cerebrotendinous xanthomatosis. Identifiers: Orphanet 909, MedGen C0238052, MONDO:0008948, OMIM 213700.

Submissions (2):

Mayo Clinic Laboratories, Mayo Clinic
Classification: Uncertain significance. Last evaluated: 2023-10-13. Review status: criteria provided, single submitter. Criteria: ACMG Guidelines, 2015. Collection method: clinical testing. Allele origin: germline. Observed: 1 variant allele.
Comment: BP4, PM2

Labcorp Genetics (formerly Invitae), Labcorp
Classification: Uncertain significance for Cholestanol storage disease. Last evaluated: 2021-09-24. Review status: criteria provided, single submitter. Criteria: Invitae Variant Classification Sherloc (09022015). Collection method: clinical testing. Allele origin: germline.
Comment: This sequence change replaces serine with tryptophan at codon 37 of the CYP27A1 protein (p.Ser37Trp). The serine residue is weakly conserved and there is a large physicochemical difference between serine and tryptophan. This variant is not present in population databases (ExAC no frequency). This variant has not been reported in the literature in individuals with CYP27A1-related conditions. Advanced modeling of protein sequence and biophysical properties (such as structural, functional, and spatial information, amino acid conservation, physicochemical variation, residue mobility, and thermodynamic stability) performed at Invitae indicates that this missense variant is not expected to disrupt CYP27A1 protein function. In summary, the available evidence is currently insufficient to determine the role of this variant in disease. Therefore, it has been classified as a Variant of Uncertain Significance.